The following is an entry in ClinVar:

NM_001368397.1(FRMPD4):c.1247T>C (p.Leu416Pro)

Gene: FRMPD4 (FERM and PDZ domain containing 4; plus strand). Cytogenetic location: Xp22.2.
Variant type: single nucleotide variant.
Coding change: c.1247T>C on transcript NM_001368397.1 (MANE Select); coding-DNA position 1247, T replaced by C.
Protein change: p.Leu416Pro; replaces leucine 416 with proline.
Molecular consequence: missense variant.
Genome position (GRCh38, 1-based): chrX:12,706,875, T>C. VCF-style: chrX-12706875-T-C. GRCh37 (hg19) VCF-style: chrX-12724994-T-C.
Other names: c.1358T>C, p.Leu453Pro (NM_001368395.3, NM_001368398.3); c.1253T>C, p.Leu418Pro (NM_001368396.3); c.1238T>C, p.Leu413Pro (NM_001368399.3); c.1127T>C, p.Leu376Pro (NM_001368400.3); c.1223T>C, p.Leu408Pro (NM_001368401.1, NM_001368402.3); c.1247T>C, p.Leu416Pro (NM_014728.3); short protein forms L376P, L408P, L413P, L416P, L418P, L453P.
Identifiers: ClinVar variation 3368558 (VCV003368558.1).

ClinVar aggregate classification (germline): Uncertain significance (1 of 4 stars; one submission).

Submission:

GeneDx
Classification: Uncertain significance. Last evaluated: 2024-01-31. Review status: criteria provided, single submitter. Criteria: GeneDx Variant Classification Process June 2021. Collection method: clinical testing. Allele origin: germline. Affected: yes.
Comment: Not observed at significant frequency in large population cohorts (gnomAD); In silico analysis supports that this missense variant has a deleterious effect on protein structure/function; Has not been previously published as pathogenic or benign to our knowledge